The following is an entry in ClinVar:

NM_194248.3(OTOF):c.1550T>C (p.Leu517Pro)

Gene: OTOF (otoferlin; minus strand). Cytogenetic location: 2p23.3.
Variant type: single nucleotide variant.
Coding change: c.1550T>C on transcript NM_194248.3 (MANE Select); coding-DNA position 1550, T replaced by C.
Protein change: p.Leu517Pro; replaces leucine 517 with proline.
Molecular consequence: missense variant.
Genome position (GRCh38, 1-based): chr2:26,482,435, A>G on the plus strand (T>C on the coding strand, the complement: OTOF is on the minus strand). VCF-style: chr2-26482435-A-G. GRCh37 (hg19) VCF-style: chr2-26705303-A-G.
Other names: c.1550T>C, p.Leu517Pro (NM_001287489.2); short protein forms L517P.
Identifiers: ClinVar variation 560901 (VCV000560901.3), dbSNP rs1558490542, ClinGen allele CA346135158.

ClinVar aggregate classification (germline): Pathogenic. Review status: criteria provided, single submitter (1 of 4 stars). 3 submissions from 3 submitters: Pathogenic (1). 2 of the submissions do not count toward it. Last evaluated 2025-03-25.

Conditions:
Deafness. Identifiers: MedGen C0011053.
Nonsyndromic genetic hearing loss. Also called: Nonsyndromic hearing loss and deafness; Non-syndromic genetic deafness; Nonsyndromic genetic deafness. Identifiers: Orphanet 87884, MedGen C5680182, MONDO:0019497.
Hearing loss, autosomal recessive. Also called: Autosomal recessive nonsyndromic deafness; Deafness, autosomal recessive; Rare autosomal recessive non-syndromic sensorineural deafness type DFNB; Nonsyndromic Hearing Loss, Recessive. Identifiers: Orphanet 90635, Orphanet 90636, MedGen C1846647, MONDO:0019588, OMIM 607197.

Submissions (3):

Women's Health and Genetics/Laboratory Corporation of America, LabCorp
Classification: Pathogenic for Nonsyndromic genetic hearing loss. Last evaluated: 2025-03-25. Review status: criteria provided, single submitter. Criteria: LabCorp Variant Classification Summary - May 2015. Collection method: clinical testing. Allele origin: germline.
Comment: Variant summary: OTOF c.1550T>C (p.Leu517Pro) results in a non-conservative amino acid change in the encoded protein sequence. Five of five in-silico tools predict a damaging effect of the variant on protein function. The variant was absent in 250864 control chromosomes. c.1550T>C has been reported in the literature in multiple individuals affected with Nonsyndromic Hearing Loss And Deafness, Type 9 (Richard_2019, Wang_2018). These data indicate that the variant is very likely to be associated with disease. To our knowledge, no experimental evidence demonstrating an impact on protein function has been reported. The following publications have been ascertained in the context of this evaluation (PMID: 30303587, 30073893). ClinVar contains an entry for this variant (Variation ID: 560901). Based on the evidence outlined above, the variant was classified as pathogenic.

Center for Statistical Genetics, Columbia University
Classification: Pathogenic for Deafness. Last evaluated: 2018-09-10. Review status: no assertion criteria provided. Collection method: research. Allele origin: inherited. Affected: yes. Not counted in ClinVar's aggregate classification.
Comment: Autosomal recessive

University of Washington Center for Mendelian Genomics, University of Washington
Classification: Likely pathogenic for non-syndromic autosomal recessive hearing loss. Review status: no assertion criteria provided. Collection method: research. Allele origin: inherited. Affected: yes. Not counted in ClinVar's aggregate classification.

Literature cited by the submitters: PubMed 30303587 (cited by Women's Health and Genetics/Laboratory Corporation of America, LabCorp and University of Washington Center for Mendelian Genomics, University of Washington); PubMed 30073893 (cited by Women's Health and Genetics/Laboratory Corporation of America, LabCorp).